The following is an entry in ClinVar:

NM_015168.2(ZC3H4):c.708C>T (p.Arg236=)

Gene: ZC3H4 (zinc finger CCCH-type containing 4; minus strand). Cytogenetic location: 19q13.32.
Variant type: single nucleotide variant.
Coding change: c.708C>T on transcript NM_015168.2 (MANE Select); coding-DNA position 708, C replaced by T.
Protein change: p.Arg236=; no amino-acid change (arginine 236 retained).
Molecular consequence: synonymous variant.
Genome position (GRCh38, 1-based): chr19:47,089,974, G>A on the plus strand (C>T on the coding strand, the complement: ZC3H4 is on the minus strand). VCF-style: chr19-47089974-G-A. GRCh37 (hg19) VCF-style: chr19-47593231-G-A.
Identifiers: ClinVar variation 3048110 (VCV003048110.2), dbSNP rs369106921, ClinGen allele CA9535527.

ClinVar aggregate classification (germline): Likely benign (0 of 4 stars; one submission).

Conditions:
ZC3H4-related disorder. Also called: ZC3H4-related condition.

Allele frequency attached by ClinVar (database versions not stated): gnomAD exomes 0.00012; 1000 Genomes Project 30x 0.00016; 1000 Genomes Project 0.00020; ExAC 0.00036; gnomAD 0.00088; TOPMed 0.00105; ESP Exome Variant Server 0.00111.
gnomAD v4.1: 319 of 1,614,174 alleles (0.02%); highest among the groups gnomAD compares: African/African-American, 0.28%; 1 homozygote.

Submission:

PreventionGenetics, part of Exact Sciences
Classification: Likely benign for ZC3H4-related condition. Last evaluated: 2019-11-25. Review status: no assertion criteria provided. Collection method: clinical testing. Allele origin: germline.
Comment: This variant is classified as likely benign based on ACMG/AMP sequence variant interpretation guidelines (Richards et al. 2015 PMID: 25741868, with internal and published modifications).